The following is an entry in ClinVar:

ClinVar aggregate classification (germline): Uncertain significance (1 of 4 stars; one submission).

Conditions:
Autosomal dominant nocturnal frontal lobe epilepsy 5. Also called: Epilepsy, nocturnal frontal lobe, 5; KCNT1-Related Epilepsy; CILIARY DYSKINESIA, PRIMARY, 28, WITHOUT SITUS INVERSUS; CILIARY DYSKINESIA, PRIMARY, 28, WITH SITUS INVERSUS. Identifiers: Orphanet 98784, MedGen C3554306, MONDO:0014002, OMIM 615005.
Developmental and epileptic encephalopathy, 14 (DEE14). Also called: Early infantile epileptic encephalopathy 14. Identifiers: Orphanet 293181, MedGen C3554195, MONDO:0013989, OMIM 614959.

Submission:

Labcorp Genetics (formerly Invitae), Labcorp
Classification: Uncertain significance for Autosomal dominant nocturnal frontal lobe epilepsy 5; Developmental and epileptic encephalopathy, 14. Last evaluated: 2022-10-18. Review status: criteria provided, single submitter. Criteria: Invitae Variant Classification Sherloc (09022015). Collection method: clinical testing. Allele origin: germline.
Comment: Advanced modeling of protein sequence and biophysical properties (such as structural, functional, and spatial information, amino acid conservation, physicochemical variation, residue mobility, and thermodynamic stability) performed at Invitae indicates that this missense variant is not expected to disrupt KCNT1 protein function. In summary, the available evidence is currently insufficient to determine the role of this variant in disease. Therefore, it has been classified as a Variant of Uncertain Significance. ClinVar contains an entry for this variant (Variation ID: 665778). This variant has not been reported in the literature in individuals affected with KCNT1-related conditions. This variant is not present in population databases (gnomAD no frequency). This sequence change replaces leucine, which is neutral and non-polar, with glutamine, which is neutral and polar, at codon 113 of the KCNT1 protein (p.Leu113Gln).

NM_020822.3(KCNT1):c.338T>A (p.Leu113Gln)

Gene: KCNT1 (potassium sodium-activated channel subfamily T member 1; plus strand). Cytogenetic location: 9q34.3.
Variant type: single nucleotide variant.
Coding change: c.338T>A on transcript NM_020822.3 (MANE Select); coding-DNA position 338, T replaced by A.
Protein change: p.Leu113Gln; replaces leucine 113 with glutamine.
Molecular consequence: missense variant.
Genome position (GRCh38, 1-based): chr9:135,750,945, T>A. VCF-style: chr9-135750945-T-A. GRCh37 (hg19) VCF-style: chr9-138642791-T-A.
Other names: c.194T>A, p.Leu65Gln (NM_001272003.2); short protein forms L113Q, L65Q.
Identifiers: ClinVar variation 665778 (VCV000665778.9), dbSNP rs1588309597, ClinGen allele CA375494890.